The following is an entry in ClinVar:

NM_053025.4(MYLK):c.3927_3929del (p.Leu1311del)

Gene: MYLK (myosin light chain kinase; minus strand). Cytogenetic location: 3q21.1.
Variant type: Deletion.
Coding change: c.3927_3929del on transcript NM_053025.4 (MANE Select); coding-DNA positions 3927 to 3929, 3 bases deleted (ACT; older notation c.3927_3929delACT).
Protein change: p.Leu1311del; deletes leucine 1311.
Molecular consequence: inframe deletion.
Genome position (GRCh38, 1-based): chr3:123,664,161-123,664,163, AGT deleted on the plus strand (ACT on the coding strand, the reverse complement: MYLK is on the minus strand). VCF-style (leftmost placement, unchanged base first): chr3-123664160-CAGT-C. GRCh37 (hg19) VCF-style: chr3-123383007-CAGT-C.
Other names: c.3399_3401del, p.Leu1135del (NM_001321309.2); c.3720_3722del, p.Leu1242del (NM_053026.4, NM_053028.4); c.3927_3929del, p.Leu1311del (NM_053027.4); short protein forms L1311del, L1135del, L1242del.
Identifiers: ClinVar variation 1736233 (VCV001736233.2), dbSNP rs2473641104, ClinGen allele CA2580068659.

ClinVar aggregate classification (germline): Uncertain significance (1 of 4 stars; one submission).

Conditions:
Familial thoracic aortic aneurysm and aortic dissection (TAAD). Also called: Thoracic aortic aneurysms and dissections. Identifiers: Orphanet 91387, MedGen C4707243, MONDO:0019625.

Submission:

Ambry Genetics
Classification: Uncertain significance for Familial thoracic aortic aneurysm and aortic dissection. Last evaluated: 2020-09-29. Review status: criteria provided, single submitter. Criteria: Ambry Variant Classification Scheme 2023. Collection method: clinical testing. Allele origin: germline.
Comment: The c.3927_3929delACT variant (also known as p.L1311del) is located in coding exon 20 of the MYLK gene. This variant results from an in-frame ACT deletion at nucleotide positions 3927 to 3929. This results in the in-frame deletion of a leucine at codon 1311. This amino acid position is not well conserved in available vertebrate species. In addition, this alteration is predicted to be deleterious by in silico analysis (Choi Y et al. PLoS ONE. 2012; 7(10):e46688). Since supporting evidence is limited at this time, the clinical significance of this alteration remains unclear.